The following is an entry in ClinVar:

ClinVar aggregate classification (germline): Likely pathogenic (1 of 4 stars; one submission).

Submission:

Mayo Clinic Laboratories, Mayo Clinic
Classification: Likely pathogenic. Last evaluated: 2024-05-21. Review status: criteria provided, single submitter. Criteria: ACMG Guidelines, 2015. Collection method: clinical testing. Allele origin: germline. Observed: 1 variant allele.
Comment: PP2, PP4, PM1, PM2, PS3_supporting, PS4_moderate

Literature cited by the submitters: PubMed 30523342; PubMed 31822618; PubMed 36542832.

NM_198253.3(TERT):c.383C>T (p.Thr128Ile)

Gene: TERT (telomerase reverse transcriptase; minus strand). Cytogenetic location: 5p15.33.
Variant type: single nucleotide variant.
Coding change: c.383C>T on transcript NM_198253.3 (MANE Select); coding-DNA position 383, C replaced by T.
Protein change: p.Thr128Ile; replaces threonine 128 with isoleucine.
Molecular consequence: missense variant. On other transcripts: non-coding transcript variant (2).
Genome position (GRCh38, 1-based): chr5:1,294,503, G>A on the plus strand (C>T on the coding strand, the complement: TERT is on the minus strand). VCF-style: chr5-1294503-G-A. GRCh37 (hg19) VCF-style: chr5-1294618-G-A.
Other names: p.Thr128Ile; c.383C>T, p.Thr128Ile (NM_001193376.3); short protein forms T128I.
Identifiers: ClinVar variation 3380993 (VCV003380993.1).